The following is an entry in ClinVar:

ClinVar aggregate classification (germline): Conflicting classifications of pathogenicity. Review status: criteria provided, conflicting classifications (1 of 4 stars). 2 submissions from 2 submitters: Uncertain significance (1); Likely benign (1). Last evaluated 2025-10-02.

Conditions:
Inborn genetic diseases. Identifiers: MedGen C0950123, MeSH D030342.
Cohen syndrome (COH1). Also called: PEPPER SYNDROME; Cutis verticis gyrata, retinitis pigmentosa, and sensorineural deafness. Identifiers: Orphanet 193, MedGen C0265223, MONDO:0008999, OMIM 216550.

Allele frequency attached by ClinVar (database versions not stated): gnomAD exomes below 0.00001; TOPMed below 0.00001; gnomAD 0.00001; ExAC 0.00002.
gnomAD v4.1: 4 of 1,613,836 alleles (0.00025%); highest among the groups gnomAD compares: Admixed American, 0.0017%; no homozygotes.

Submissions (2):

Ambry Genetics
Classification: Likely benign for Inborn genetic diseases. Last evaluated: 2025-10-02. Review status: criteria provided, single submitter. Criteria: Ambry Variant Classification Scheme 2023. Collection method: clinical testing. Allele origin: germline.

Labcorp Genetics (formerly Invitae), Labcorp
Classification: Uncertain significance for Cohen syndrome. Last evaluated: 2022-08-20. Review status: criteria provided, single submitter. Criteria: Invitae Variant Classification Sherloc (09022015). Collection method: clinical testing. Allele origin: germline.
Comment: This sequence change affects codon 2673 of the VPS13B mRNA. It is a 'silent' change, meaning that it does not change the encoded amino acid sequence of the VPS13B protein. It affects a nucleotide within the consensus splice site. This variant is present in population databases (rs765442907, gnomAD 0.003%). This variant has not been reported in the literature in individuals affected with VPS13B-related conditions. Algorithms developed to predict the effect of sequence changes on RNA splicing suggest that this variant is not likely to affect RNA splicing. In summary, the available evidence is currently insufficient to determine the role of this variant in disease. Therefore, it has been classified as a Variant of Uncertain Significance.

NM_152564.5(VPS13B):c.7942C>T (p.Leu2648=)

Gene: VPS13B (vacuolar protein sorting 13 homolog B; plus strand). Cytogenetic location: 8q22.2.
Variant type: single nucleotide variant.
Coding change: c.7942C>T on transcript NM_152564.5 (MANE Select); coding-DNA position 7942, C replaced by T.
Protein change: p.Leu2648=; no amino-acid change (leucine 2648 retained).
Molecular consequence: synonymous variant.
Genome position (GRCh38, 1-based): chr8:99,809,375, C>T. VCF-style: chr8-99809375-C-T. GRCh37 (hg19) VCF-style: chr8-100821603-C-T.
Other names: c.8017C>T, p.Leu2673= (NM_017890.5); c.8017C>T (NM_017890.3).
Identifiers: ClinVar variation 2150062 (VCV002150062.2), dbSNP rs765442907, ClinGen allele CA4824354.